The following is an entry in ClinVar:

NM_001374353.1(GLI2):c.2132G>A (p.Arg711Gln)

Gene: GLI2 (GLI family zinc finger 2; plus strand). Cytogenetic location: 2q14.2.
Variant type: single nucleotide variant.
Coding change: c.2132G>A on transcript NM_001374353.1 (MANE Select); coding-DNA position 2132, G replaced by A.
Protein change: p.Arg711Gln; replaces arginine 711 with glutamine.
Molecular consequence: missense variant.
Genome position (GRCh38, 1-based): chr2:120,986,504, G>A. VCF-style: chr2-120986504-G-A. GRCh37 (hg19) VCF-style: chr2-121744080-G-A.
Other names: c.2183G>A, p.Arg728Gln (NM_001371271.1, NM_005270.5); c.1757G>A, p.Arg586Gln (NM_001374354.1); short protein forms R728Q, R586Q, R711Q.
Identifiers: ClinVar variation 452892 (VCV000452892.2), dbSNP rs368549881, ClinGen allele CA1852144.

ClinVar aggregate classification (germline): Uncertain significance (1 of 4 stars; one submission).

Allele frequency attached by ClinVar (database versions not stated): gnomAD exomes 0.00001 and 0.00002; ExAC 0.00002; gnomAD 0.00003 and 0.00004; TOPMed 0.00006; ESP Exome Variant Server 0.00015.
gnomAD v4.1: 19 of 1,614,014 alleles (0.0012%); highest among the groups gnomAD compares: African/African-American, 0.011%; no homozygotes.

Submission:

GeneDx
Classification: Uncertain significance. Last evaluated: 2017-10-26. Review status: criteria provided, single submitter. Criteria: GeneDx Variant Classification (06012015). Collection method: clinical testing. Allele origin: germline. Affected: yes.
Comment: The R728Q variant in the GLI2 gene has not been reported previously as a pathogenic variant, nor as a benign variant, to our knowledge. The R728Q variant is observed in 3/15282 (0.019%) alleles from individuals of African background, in large population cohorts (Lek et al., 2016). The R728Q variant is a semi-conservative amino acid substitution, which may impact secondary protein structure as these residues differ in some properties. This substitution occurs at a position that is conserved in mammals. In silico analysis is inconsistent in its predictions as to whether or not the variant is damaging to the protein structure/function. We interpret R728Q as a variant of uncertain significance